The following is an entry in ClinVar:

ClinVar aggregate classification (germline): Uncertain significance. Review status: criteria provided, multiple submitters, no conflicts (2 of 4 stars). 2 submissions from 2 submitters: Uncertain significance (2). Last evaluated 2023-05-09.

Conditions:
Inborn genetic diseases. Identifiers: MedGen C0950123, MeSH D030342.

Allele frequency attached by ClinVar (database versions not stated): ExAC 0.00001; gnomAD 0.00005; TOPMed 0.00005; ESP Exome Variant Server 0.00008.
gnomAD v4.1: 24 of 1,614,036 alleles (0.0015%); highest among the groups gnomAD compares: African/African-American, 0.011%; no homozygotes.

Submissions (2):

Ambry Genetics
Classification: Uncertain significance for Inborn genetic diseases. Last evaluated: 2023-05-09. Review status: criteria provided, single submitter. Criteria: Ambry Variant Classification Scheme 2023. Collection method: clinical testing. Allele origin: germline.

Labcorp Genetics (formerly Invitae), Labcorp
Classification: Uncertain significance. Last evaluated: 2022-04-30. Review status: criteria provided, single submitter. Criteria: Invitae Variant Classification Sherloc (09022015). Collection method: clinical testing. Allele origin: germline.
Comment: In summary, the available evidence is currently insufficient to determine the role of this variant in disease. Therefore, it has been classified as a Variant of Uncertain Significance. Algorithms developed to predict the effect of missense changes on protein structure and function are either unavailable or do not agree on the potential impact of this missense change (SIFT: "Not Available"; PolyPhen-2: "Probably Damaging"; Align-GVGD: "Not Available"). This variant has not been reported in the literature in individuals affected with BMP2-related conditions. The frequency data for this variant in the population databases is considered unreliable, as metrics indicate poor data quality at this position in the gnomAD database. This sequence change replaces arginine, which is basic and polar, with glutamine, which is neutral and polar, at codon 215 of the BMP2 protein (p.Arg215Gln).

NM_001200.4(BMP2):c.644G>A (p.Arg215Gln)

Gene: BMP2 (bone morphogenetic protein 2; plus strand). Cytogenetic location: 20p12.3.
Variant type: single nucleotide variant.
Coding change: c.644G>A on transcript NM_001200.4 (MANE Select); coding-DNA position 644, G replaced by A.
Protein change: p.Arg215Gln; replaces arginine 215 with glutamine.
Molecular consequence: missense variant.
Genome position (GRCh38, 1-based): chr20:6,778,542, G>A. VCF-style: chr20-6778542-G-A. GRCh37 (hg19) VCF-style: chr20-6759189-G-A.
Other names: c.644G>A (NM_001200.2); short protein forms R215Q.
Identifiers: ClinVar variation 1920222 (VCV001920222.7), dbSNP rs141178075, ClinGen allele CA9758723.